The following is an entry in ClinVar:

NM_007294.4(BRCA1):c.1487G>C (p.Arg496Pro)

Gene: BRCA1 (BRCA1 DNA repair associated; minus strand). Cytogenetic location: 17q21.31.
Variant type: single nucleotide variant.
Coding change: c.1487G>C on transcript NM_007294.4 (MANE Select); coding-DNA position 1487, G replaced by C.
Protein change: p.Arg496Pro; replaces arginine 496 with proline.
Molecular consequence: missense variant. On other transcripts: intron variant (137).
Genome position (GRCh38, 1-based): chr17:43,094,044, C>G on the plus strand (G>C on the coding strand, the complement: BRCA1 is on the minus strand). VCF-style: chr17-43094044-C-G. GRCh37 (hg19) VCF-style: chr17-41246061-C-G.
Other names: c.1274G>C, p.Arg425Pro (NM_001407899.1, NM_001407853.1, NM_001407915.1 and 9 more transcripts); c.1277G>C, p.Arg426Pro (NM_001407900.1, NM_001407902.1, NM_001407904.1 and 13 more transcripts); c.1223G>C, p.Arg408Pro (NM_001407925.1, NM_001407926.1, NM_001407927.1 and 9 more transcripts); c.1220G>C, p.Arg407Pro (NM_001407930.1, NM_001407931.1, NM_001407932.1 and 2 more transcripts); c.1346G>C, p.Arg449Pro (NM_001407944.1, NM_001407945.1, NM_007297.4 and 29 more transcripts); c.1154G>C, p.Arg385Pro (NM_001407946.1, NM_001407947.1, NM_001407948.1 and 6 more transcripts); c.1343G>C, p.Arg448Pro (NM_001407964.1, NM_001407743.1, NM_001407744.1 and 20 more transcripts); c.983G>C, p.Arg328Pro (NM_001407965.1); and 40 more; short protein forms R200P, R328P, R368P, R369P, R384P, R385P, R407P, R408P.
Identifiers: ClinVar variation 4856588 (VCV004856588.1).

ClinVar aggregate classification (germline): Likely benign (1 of 4 stars; one submission).

Conditions:
Breast-ovarian cancer, familial, susceptibility to, 1 (BROVCA1). Also called: OVARIAN CANCER, SUSCEPTIBILITY TO; BRCA1 Hereditary Breast and Ovarian Cancer. Identifiers: Orphanet 145, MedGen C2676676, MONDO:0011450, OMIM 604370. Disease mechanism: loss of function.

gnomAD v4.1: 1 of 1,613,942 alleles (0.000062%); highest among the groups gnomAD compares: Non-Finnish European, 0.000085%; no homozygotes.

Submission:

Cancer Bioinformatics and Tumour Evolution Laboratory, Monash University
Classification: Likely benign for Breast-ovarian cancer, familial, susceptibility to, 1. Last evaluated: 2026-05-01. Review status: criteria provided, single submitter. Criteria: ClinGen BRCA1 and BRCA2 Guidelines, 2024. Collection method: curation. Allele origin: germline. Inheritance: Autosomal dominant inheritance.
Comment: Missense variant outside of a functional domain with no splice impact. BRCA1 and BRCA2 VCEP guidelines recommend application of BP1_Strong (PMID: 39142283)